The following is an entry in ClinVar:

ClinVar aggregate classification (germline): Conflicting classifications of pathogenicity. Review status: criteria provided, conflicting classifications (1 of 4 stars). 4 submissions from 4 submitters: Uncertain significance (1); Likely benign (2). 1 of the submissions does not count toward it. Last evaluated 2024-05-09.

Conditions:
Retinitis pigmentosa (RP). Identifiers: Orphanet 791, MedGen C0035334, MeSH D012174, MONDO:0019200, OMIM 268000. Inheritance: Autosomal dominant, autosomal recessive and X linked inheritance.
PRPF31-related disorder. Also called: PRPF31-related condition.

Allele frequency attached by ClinVar (database versions not stated): ExAC 0.00003; gnomAD exomes 0.00003 and 0.00005; gnomAD 0.00008; TOPMed 0.00010; ESP Exome Variant Server 0.00023.
gnomAD v4.1: 52 of 1,613,354 alleles (0.0032%); highest among the groups gnomAD compares: African/African-American, 0.012%; 1 homozygote.

Submissions (4):

Labcorp Genetics (formerly Invitae), Labcorp
Classification: Likely benign. Last evaluated: 2024-05-09. Review status: criteria provided, single submitter. Criteria: Invitae Variant Classification Sherloc (09022015). Collection method: clinical testing. Allele origin: germline.

Blueprint Genetics
Classification: Likely benign. Last evaluated: 2021-10-05. Review status: criteria provided, single submitter. Criteria: ACMG Guidelines, 2015. Collection method: clinical testing. Allele origin: germline.

Illumina Laboratory Services, Illumina
Classification: Uncertain significance for Retinitis pigmentosa. Last evaluated: 2018-01-13. Review status: criteria provided, single submitter. Criteria: ICSL Variant Classification Criteria 13 December 2019. Collection method: clinical testing. Allele origin: germline.

PreventionGenetics, part of Exact Sciences
Classification: Likely benign for PRPF31-related condition. Last evaluated: 2024-08-31. Review status: no assertion criteria provided. Collection method: clinical testing. Allele origin: germline. Not counted in ClinVar's aggregate classification.
Comment: This variant is classified as likely benign based on ACMG/AMP sequence variant interpretation guidelines (Richards et al. 2015 PMID: 25741868, with internal and published modifications).

NM_015629.4(PRPF31):c.594C>T (p.Asn198=)

Gene: PRPF31 (pre-mRNA processing factor 31; plus strand). Cytogenetic location: 19q13.42.
Variant type: single nucleotide variant.
Coding change: c.594C>T on transcript NM_015629.4 (MANE Select); coding-DNA position 594, C replaced by T.
Protein change: p.Asn198=; no amino-acid change (asparagine 198 retained).
Molecular consequence: synonymous variant.
Genome position (GRCh38, 1-based): chr19:54,123,815, C>T. VCF-style: chr19-54123815-C-T. GRCh37 (hg19) VCF-style: chr19-54627194-C-T.
Identifiers: ClinVar variation 893468 (VCV000893468.13), dbSNP rs138269127, ClinGen allele CA309325195.